The following is an entry in ClinVar:

NM_001145809.2(MYH14):c.1715C>T (p.Thr572Ile)

Gene: MYH14 (myosin heavy chain 14; plus strand). Cytogenetic location: 19q13.33.
Variant type: single nucleotide variant.
Coding change: c.1715C>T on transcript NM_001145809.2 (MANE Select); coding-DNA position 1715, C replaced by T.
Protein change: p.Thr572Ile; replaces threonine 572 with isoleucine.
Molecular consequence: missense variant.
Genome position (GRCh38, 1-based): chr19:50,250,573, C>T. VCF-style: chr19-50250573-C-T. GRCh37 (hg19) VCF-style: chr19-50753830-C-T.
Other names: c.1715C>T, p.Thr572Ile (NM_001077186.2); c.1691C>T, p.Thr564Ile (NM_024729.4); short protein forms T564I, T572I.
Identifiers: ClinVar variation 2629083 (VCV002629083.1), dbSNP rs761879168, ClinGen allele CA309596925.

ClinVar aggregate classification (germline): Uncertain significance (1 of 4 stars; one submission).

Conditions:
MYH14-related disorder. Also called: MYH14-related condition.

Allele frequency attached by ClinVar (database versions not stated): gnomAD exomes 0.00001.
gnomAD v4.1: 12 of 1,614,080 alleles (0.00074%); highest among the groups gnomAD compares: Non-Finnish European, 0.00093%; no homozygotes.

Submission:

PreventionGenetics, part of Exact Sciences
Classification: Uncertain significance for MYH14-related condition. Last evaluated: 2023-04-17. Review status: criteria provided, single submitter. Criteria: ACMG Guidelines, 2015. Collection method: clinical testing. Allele origin: germline.
Comment: The MYH14 c.1715C>T variant is predicted to result in the amino acid substitution p.Thr572Ile. To our knowledge, this variant has not been reported in the literature. This variant is reported in 0.00089% of alleles in individuals of European (Non-Finnish) descent in gnomAD. At this time, the clinical significance of this variant is uncertain due to the absence of conclusive functional and genetic evidence.